The following is an entry in ClinVar:

NM_000051.4(ATM):c.6188G>T (p.Gly2063Val)

Genes: ATM (ATM serine/threonine kinase; plus strand), C11orf65 (chromosome 11 open reading frame 65; minus strand). Cytogenetic location: 11q22.3.
Variant type: single nucleotide variant.
Coding change: c.6188G>T on transcript NM_000051.4 (MANE Select); coding-DNA position 6188, G replaced by T.
Protein change: p.Gly2063Val; replaces glycine 2063 with valine.
Molecular consequence: missense variant. On other transcripts: intron variant (2).
Genome position (GRCh38, 1-based): chr11:108,316,103, G>T. VCF-style: chr11-108316103-G-T. GRCh37 (hg19) VCF-style: chr11-108186830-G-T.
Other names: c.6188G>T, p.Gly2063Val (NM_001351834.2); c.641-7032C>A (NM_001330368.2); c.*39-7032C>A (NM_001351110.2); short protein forms G2063V.
Identifiers: ClinVar variation 826228 (VCV000826228.6), dbSNP rs866290641, ClinGen allele CA382550762.

ClinVar aggregate classification (germline): Uncertain significance (1 of 4 stars; one submission).

Conditions:
Hereditary cancer-predisposing syndrome. Also called: Tumor predisposition; Neoplastic Syndromes, Hereditary; Hereditary Cancer Syndrome; Hereditary neoplastic syndrome. Identifiers: Orphanet 140162, MedGen C0027672, MeSH D009386, MONDO:0015356.

Allele frequency attached by ClinVar (database versions not stated): gnomAD exomes below 0.00001.
gnomAD v4.1: 1 of 1,613,978 alleles (0.000062%); highest among the groups gnomAD compares: Non-Finnish European, 0.000085%; no homozygotes.

Submission:

Ambry Genetics
Classification: Uncertain significance for Hereditary cancer-predisposing syndrome. Last evaluated: 2018-03-09. Review status: criteria provided, single submitter. Criteria: Ambry Variant Classification Scheme 2023. Collection method: clinical testing. Allele origin: germline.
Comment: The p.G2063V variant (also known as c.6188G>T), located in coding exon 41 of the ATM gene, results from a G to T substitution at nucleotide position 6188. The glycine at codon 2063 is replaced by valine, an amino acid with dissimilar properties. This amino acid position is highly conserved in available vertebrate species. In addition, the in silico prediction for this alteration is inconclusive. Since supporting evidence is limited at this time, the clinical significance of this alteration remains unclear.